The following is an entry in ClinVar:

ClinVar aggregate classification (germline): Conflicting classifications of pathogenicity. Review status: criteria provided, conflicting classifications (1 of 4 stars). 2 submissions from 2 submitters: Uncertain significance (1); Likely benign (1). Last evaluated 2025-08-23.

Conditions:
Inborn genetic diseases. Identifiers: MedGen C0950123, MeSH D030342.

Allele frequency attached by ClinVar (database versions not stated): gnomAD 0.00001; gnomAD exomes 0.00001; ExAC 0.00002; TOPMed 0.00002; ESP Exome Variant Server 0.00016.
gnomAD v4.1: 15 of 1,613,802 alleles (0.00093%); highest among the groups gnomAD compares: Non-Finnish European, 0.0013%; no homozygotes.

Submissions (2):

Ambry Genetics
Classification: Likely benign for Inborn genetic diseases. Last evaluated: 2025-08-23. Review status: criteria provided, single submitter. Criteria: Ambry Variant Classification Scheme 2023. Collection method: clinical testing. Allele origin: germline.

Labcorp Genetics (formerly Invitae), Labcorp
Classification: Uncertain significance. Last evaluated: 2022-09-09. Review status: criteria provided, single submitter. Criteria: Invitae Variant Classification Sherloc (09022015). Collection method: clinical testing. Allele origin: germline.
Comment: This sequence change replaces threonine, which is neutral and polar, with alanine, which is neutral and non-polar, at codon 675 of the SETD5 protein (p.Thr675Ala). This variant is present in population databases (rs376201066, gnomAD 0.003%). This variant has not been reported in the literature in individuals affected with SETD5-related conditions. Advanced modeling of protein sequence and biophysical properties (such as structural, functional, and spatial information, amino acid conservation, physicochemical variation, residue mobility, and thermodynamic stability) performed at Invitae indicates that this missense variant is not expected to disrupt SETD5 protein function. In summary, the available evidence is currently insufficient to determine the role of this variant in disease. Therefore, it has been classified as a Variant of Uncertain Significance.

NM_001080517.3(SETD5):c.2023A>G (p.Thr675Ala)

Gene: SETD5 (SET domain containing 5; plus strand). Cytogenetic location: 3p25.3.
Variant type: single nucleotide variant.
Coding change: c.2023A>G on transcript NM_001080517.3 (MANE Select); coding-DNA position 2023, A replaced by G.
Protein change: p.Thr675Ala; replaces threonine 675 with alanine.
Molecular consequence: missense variant.
Genome position (GRCh38, 1-based): chr3:9,447,926, A>G. VCF-style: chr3-9447926-A-G. GRCh37 (hg19) VCF-style: chr3-9489610-A-G.
Other names: c.1729A>G, p.Thr577Ala (NM_001292043.2, NM_001349451.2); c.2023A>G (NM_001080517.1); short protein forms T577A, T675A.
Identifiers: ClinVar variation 2427914 (VCV002427914.7), dbSNP rs376201066, ClinGen allele CA2239340.